The following is an entry in ClinVar:

NM_002230.4(JUP):c.1394G>A (p.Arg465His)

Gene: JUP (junction plakoglobin; minus strand). Cytogenetic location: 17q21.2.
Variant type: single nucleotide variant.
Coding change: c.1394G>A on transcript NM_002230.4 (MANE Select); coding-DNA position 1394, G replaced by A.
Protein change: p.Arg465His; replaces arginine 465 with histidine.
Molecular consequence: missense variant.
Genome position (GRCh38, 1-based): chr17:41,763,086, C>T on the plus strand (G>A on the coding strand, the complement: JUP is on the minus strand). VCF-style: chr17-41763086-C-T. GRCh37 (hg19) VCF-style: chr17-39919338-C-T.
Other names: c.1394G>A, p.Arg465His (NM_001352773.2, NM_001352774.2, NM_001352775.2 and 3 more transcripts); short protein forms R465H.
Identifiers: ClinVar variation 836379 (VCV000836379.12), dbSNP rs369486398, ClinGen allele CA8565218.

ClinVar aggregate classification (germline): Uncertain significance. Review status: criteria provided, multiple submitters, no conflicts (2 of 4 stars). 3 submissions from 3 submitters: Uncertain significance (3). Last evaluated 2025-12-08.

Conditions:
Cardiovascular phenotype. Identifiers: MedGen CN230736.
Naxos disease (NXD). Also called: KERATOSIS PALMOPLANTARIS WITH ARRHYTHMOGENIC CARDIOMYOPATHY; MAL DE NAXOS; PALMOPLANTAR KERATODERMA WITH ARRHYTHMOGENIC RIGHT VENTRICULAR CARDIOMYOPATHY AND WOOLLY HAIR; WOOLLY HAIR, PALMOPLANTAR KERATODERMA, AND CARDIAC ABNORMALITIES; CARDIOMYOPATHY, ARRHYTHMOGENIC RIGHT VENTRICULAR, WITH SKIN, HAIR, AND NAIL ABNORMALITIES. Identifiers: Orphanet 34217, MedGen C1832600, MONDO:0011017, OMIM 601214.
Arrhythmogenic right ventricular dysplasia 12. Also called: ARRHYTHMOGENIC RIGHT VENTRICULAR DYSPLASIA, FAMILIAL, 12. Identifiers: MedGen C1969081, MONDO:0012684, OMIM 611528.

Allele frequency attached by ClinVar (database versions not stated): ExAC 0.00001; gnomAD 0.00001; gnomAD exomes 0.00001; TOPMed 0.00001; ESP Exome Variant Server 0.00008.
gnomAD v4.1: 16 of 1,613,840 alleles (0.00099%); highest among the groups gnomAD compares: East Asian, 0.0022%; no homozygotes.

Submissions (3):

Labcorp Genetics (formerly Invitae), Labcorp
Classification: Uncertain significance for Arrhythmogenic right ventricular dysplasia 12; Naxos disease. Last evaluated: 2025-12-08. Review status: criteria provided, single submitter. Criteria: Invitae Variant Classification Sherloc (09022015). Collection method: clinical testing. Allele origin: germline.
Comment: This sequence change replaces arginine, which is basic and polar, with histidine, which is basic and polar, at codon 465 of the JUP protein (p.Arg465His). This variant is present in population databases (rs369486398, gnomAD 0.003%). This missense change has been observed in individual(s) with clinical features of JUP-related conditions (internal data). ClinVar contains an entry for this variant (Variation ID: 836379). An algorithm developed to predict the effect of missense changes on protein structure and function (PolyPhen-2) suggests that this variant is likely to be disruptive. In summary, the available evidence is currently insufficient to determine the role of this variant in disease. Therefore, it has been classified as a Variant of Uncertain Significance.

Ambry Genetics
Classification: Uncertain significance for Cardiovascular phenotype. Last evaluated: 2022-09-14. Review status: criteria provided, single submitter. Criteria: Ambry Variant Classification Scheme 2023. Collection method: clinical testing. Allele origin: germline.
Comment: The p.R465H variant (also known as c.1394G>A), located in coding exon 7 of the JUP gene, results from a G to A substitution at nucleotide position 1394. The arginine at codon 465 is replaced by histidine, an amino acid with highly similar properties. This amino acid position is highly conserved in available vertebrate species. In addition, the in silico prediction for this alteration is inconclusive. Since supporting evidence is limited at this time, the clinical significance of this alteration remains unclear.

AiLife Diagnostics
Classification: Uncertain significance. Last evaluated: 2021-09-29. Review status: criteria provided, single submitter. Criteria: ACMG Guidelines, 2015. Collection method: clinical testing. Allele origin: germline. Affected: yes. Observed: 1 variant allele.

Literature cited by the submitters: PubMed 24238504 (cited by AiLife Diagnostics).